The following is an entry in ClinVar:

ClinVar aggregate classification (germline): Benign/Likely benign. Review status: criteria provided, multiple submitters, no conflicts (2 of 4 stars). 7 submissions from 7 submitters: Benign (5); Likely benign (2). Last evaluated 2026-01-01.

Conditions:
Treacher Collins syndrome 1 (TCS1). Also called: TCOF1-Related Treacher Collins Syndrome. Identifiers: Orphanet 861, MedGen CN315775, MONDO:0007944, OMIM 154500.

Allele frequency attached by ClinVar (database versions not stated): gnomAD 0.01161 and 0.01242; ESP Exome Variant Server 0.01269; TOPMed 0.01286; 1000 Genomes Project 0.01338; 1000 Genomes Project 30x 0.01515; gnomAD exomes 0.00114 and 0.00304; ExAC 0.00385.
gnomAD v4.1: 3,508 of 1,612,552 alleles (0.22%); highest among the groups gnomAD compares: African/African-American, 4%; 58 homozygotes.

Submissions (7):

Labcorp Genetics (formerly Invitae), Labcorp
Classification: Benign for Treacher Collins syndrome 1. Last evaluated: 2026-01-01. Review status: criteria provided, single submitter. Criteria: Invitae Variant Classification Sherloc (09022015). Collection method: clinical testing. Allele origin: germline.

CeGaT Center for Human Genetics Tuebingen
Classification: Benign. Last evaluated: 2024-01-01. Review status: criteria provided, single submitter. Criteria: CeGaT Center For Human Genetics Tuebingen Variant Classification Criteria Version 2. Collection method: clinical testing. Allele origin: germline. Affected: yes. Observed: 1 variant allele.
Comment: TCOF1: BP4, BS1, BS2

Athena Diagnostics
Classification: Benign. Last evaluated: 2020-07-09. Review status: criteria provided, single submitter. Criteria: Athena Diagnostics Criteria. Collection method: clinical testing. Allele origin: unknown.

GeneDx
Classification: Benign. Last evaluated: 2019-01-17. Review status: criteria provided, single submitter. Criteria: GeneDx Variant Classification Process June 2021. Collection method: clinical testing. Allele origin: germline. Affected: yes.
Comment: This variant is associated with the following publications: (PMID: 28065470)

Eurofins Ntd Llc (ga)
Classification: Benign. Last evaluated: 2018-09-11. Review status: criteria provided, single submitter. Criteria: EGL ClinVar v180209 classification definitions. Collection method: clinical testing. Allele origin: germline. Observed: 1 variant allele, 1 heterozygote.

Center for Pediatric Genomic Medicine, Children's Mercy Hospital and Clinics
Classification: Likely benign. Last evaluated: 2017-05-04. Review status: criteria provided, single submitter. Criteria: ACMG Guidelines, 2015. Collection method: clinical testing. Allele origin: germline.

Breakthrough Genomics
Classification: Likely benign. Review status: criteria provided, single submitter. Criteria: ACMG Guidelines, 2015. Collection method: not provided. Allele origin: germline. Inheritance: Autosomal dominant inheritance. Affected: yes.

NM_001371623.1(TCOF1):c.1229C>T (p.Ser410Leu)

Gene: TCOF1 (treacle ribosome biogenesis factor 1; plus strand). Cytogenetic location: 5q32.
Variant type: single nucleotide variant.
Coding change: c.1229C>T on transcript NM_001371623.1 (MANE Select); coding-DNA position 1229, C replaced by T.
Protein change: p.Ser410Leu; replaces serine 410 with leucine.
Molecular consequence: missense variant.
Genome position (GRCh38, 1-based): chr5:150,374,762, C>T. VCF-style: chr5-150374762-C-T. GRCh37 (hg19) VCF-style: chr5-149754325-C-T.
Other names: c.998C>T, p.Ser333Leu (NM_000356.4, NM_001135245.2); c.1229C>T, p.Ser410Leu (NM_001008657.3, NM_001135243.2, NM_001135244.2 and 1 more transcripts); short protein forms S410L, S333L.
Identifiers: ClinVar variation 352203 (VCV000352203.41), dbSNP rs114326915, ClinGen allele CA3510795.